The following is an entry in ClinVar:

NM_058179.4(PSAT1):c.55C>G (p.His19Asp)

Gene: PSAT1 (phosphoserine aminotransferase 1; plus strand). Cytogenetic location: 9q21.2.
Variant type: single nucleotide variant.
Coding change: c.55C>G on transcript NM_058179.4 (MANE Select); coding-DNA position 55, C replaced by G.
Protein change: p.His19Asp; replaces histidine 19 with aspartic acid.
Molecular consequence: missense variant.
Genome position (GRCh38, 1-based): chr9:78,297,265, C>G. VCF-style: chr9-78297265-C-G. GRCh37 (hg19) VCF-style: chr9-80912181-C-G.
Other names: c.55C>G, p.His19Asp (NM_021154.5); short protein forms H19D.
Identifiers: ClinVar variation 367453 (VCV000367453.11), dbSNP rs1057515669, ClinGen allele CA10630497.

ClinVar aggregate classification (germline): Uncertain significance. Review status: criteria provided, multiple submitters, no conflicts (2 of 4 stars). 3 submissions from 3 submitters: Uncertain significance (2). 1 of the submissions does not count toward it. Last evaluated 2024-10-24.

Conditions:
PSAT deficiency. Identifiers: Orphanet 284417, MedGen C1970253, MONDO:0012596, OMIM 610992.
Neu-Laxova syndrome 2. Identifiers: Orphanet 2671, Orphanet 583602, MedGen C4015019, MONDO:0014466, OMIM 616038.

Submissions (3):

Labcorp Genetics (formerly Invitae), Labcorp
Classification: Uncertain significance for Neu-Laxova syndrome 2. Last evaluated: 2024-10-24. Review status: criteria provided, single submitter. Criteria: Invitae Variant Classification Sherloc (09022015). Collection method: clinical testing. Allele origin: germline.
Comment: This sequence change replaces histidine, which is basic and polar, with aspartic acid, which is acidic and polar, at codon 19 of the PSAT1 protein (p.His19Asp). This variant is not present in population databases (gnomAD no frequency). This variant has not been reported in the literature in individuals affected with PSAT1-related conditions. ClinVar contains an entry for this variant (Variation ID: 367453). Invitae Evidence Modeling of protein sequence and biophysical properties (such as structural, functional, and spatial information, amino acid conservation, physicochemical variation, residue mobility, and thermodynamic stability) indicates that this missense variant is not expected to disrupt PSAT1 protein function with a negative predictive value of 80%. Experimental studies have shown that this missense change does not substantially affect PSAT1 function (PMID: 32077105). In summary, the available evidence is currently insufficient to determine the role of this variant in disease. Therefore, it has been classified as a Variant of Uncertain Significance.

Illumina Laboratory Services, Illumina
Classification: Uncertain significance for PSAT deficiency. Last evaluated: 2018-01-13. Review status: criteria provided, single submitter. Criteria: ICSL Variant Classification Criteria 13 December 2019. Collection method: clinical testing. Allele origin: germline.

Dudley Research Group, Pacific Northwest Research Institute
No classification provided. Review status: no classification provided. Collection method: research, in vivo. Allele origin: unknown, not applicable. Functional consequence: function_uncertain_variant. Not counted in ClinVar's aggregate classification.

Literature cited by the submitters: PubMed 32077105 (cited by Labcorp Genetics (formerly Invitae), Labcorp).